The following is an entry in ClinVar:

NM_198859.4(PRICKLE2):c.984C>T (p.Asn328=)

Gene: PRICKLE2 (prickle planar cell polarity protein 2; minus strand). Cytogenetic location: 3p14.1.
Variant type: single nucleotide variant.
Coding change: c.984C>T on transcript NM_198859.4 (MANE Select); coding-DNA position 984, C replaced by T.
Protein change: p.Asn328=; no amino-acid change (asparagine 328 retained).
Molecular consequence: synonymous variant.
Genome position (GRCh38, 1-based): chr3:64,147,506, G>A on the plus strand (C>T on the coding strand, the complement: PRICKLE2 is on the minus strand). VCF-style: chr3-64147506-G-A. GRCh37 (hg19) VCF-style: chr3-64133182-G-A.
Other names: c.984C>T, p.Asn328= (NM_001370528.1).
Identifiers: ClinVar variation 130035 (VCV000130035.17), dbSNP rs34460293, ClinGen allele CA154777.
Genomic context (GRCh38, chr3:64,147,506, plus strand): 5'-CTCCGTCTTGCCCTTGTTCTTGCCAATTTTGGCACTGCGCCGGGACTCCTTGGCCCTGGC[G>A]TTCTGGAAGGCGGAATCAGAGGAGTCAGAACCATTGGGGTCTTCCCCAGCACTGCAGGCC-3'
Protein context (NP_942559.1, residues 318-338): GSDSSDSAFQ[Asn328=]ARAKESRRSA

ClinVar aggregate classification (germline): Benign. Review status: criteria provided, multiple submitters, no conflicts (2 of 4 stars). 4 submissions from 4 submitters: Benign (3). 1 of the submissions does not count toward it. Last evaluated 2026-02-03.

Conditions:
Progressive myoclonic epilepsy. Also called: Familial progressive myoclonic epilepsy; Myoclonic Epilepsies, Progressive; Myoclonus epilepsy; Progressive myoclonus epilepsy. Identifiers: Orphanet 308, Orphanet 98261, MedGen C0751778, MONDO:0020074.
Progressive myoclonic epilepsy type 5. Identifiers: Orphanet 402082, MedGen C5190799.

Allele frequency attached by ClinVar (database versions not stated): 1000 Genomes Project 30x 0.05356; 1000 Genomes Project 0.05471; TOPMed 0.06149; gnomAD 0.06376 and 0.06381; gnomAD exomes 0.06397 and 0.07417; ExAC 0.06556; ESP Exome Variant Server 0.06889.
gnomAD v4.1: 118,092 of 1,614,162 alleles (7.3%); highest among the groups gnomAD compares: South Asian, 9.6%; 4,601 homozygotes.

Submissions (4):

Labcorp Genetics (formerly Invitae), Labcorp
Classification: Benign for Progressive myoclonic epilepsy type 5. Last evaluated: 2026-02-03. Review status: criteria provided, single submitter. Criteria: Invitae Variant Classification Sherloc (09022015). Collection method: clinical testing. Allele origin: germline.

Illumina Laboratory Services, Illumina
Classification: Benign for Progressive myoclonic epilepsy. Last evaluated: 2018-01-12. Review status: criteria provided, single submitter. Criteria: ICSL Variant Classification Criteria 13 December 2019. Collection method: clinical testing. Allele origin: germline.
Comment: This variant was observed in the ICSL laboratory as part of a predisposition screen in an ostensibly healthy population. It had not been previously curated by ICSL or reported in the Human Gene Mutation Database (HGMD: prior to June 1st, 2018), and was therefore a candidate for classification through an automated scoring system. Utilizing variant allele frequency, disease prevalence and penetrance estimates, and inheritance mode, an automated score was calculated to assess if this variant is too frequent to cause the disease. Based on the score and internal cut-off values, a variant classified as benign is not then subjected to further curation. The score for this variant resulted in a classification of benign for this disease.

Breakthrough Genomics
Classification: Benign. Review status: criteria provided, single submitter. Criteria: ACMG Guidelines, 2015. Collection method: not provided. Allele origin: germline. Inheritance: Unknown mechanism. Affected: yes.

Genetic Services Laboratory, University of Chicago
Classification: Likely benign for AllHighlyPenetrant. Review status: no assertion criteria provided. Collection method: clinical testing. Allele origin: germline. Inheritance: Autosomal dominant inheritance. Not counted in ClinVar's aggregate classification.
Comment: Likely benign based on allele frequency in 1000 Genomes Project or ESP global frequency and its presence in a patient with a rare or unrelated disease phenotype. NOT Sanger confirmed.